The following is an entry in ClinVar:

ClinVar aggregate classification (germline): Uncertain significance (1 of 4 stars; one submission).

Submission:

Ambry Genetics
Classification: Uncertain significance. Last evaluated: 2025-06-19. Review status: criteria provided, single submitter. Criteria: Ambry Variant Classification Scheme 2023. Collection method: clinical testing. Allele origin: germline.
Comment: The p.L1138H variant (also known as c.3413T>A), located in coding exon 3 of the MLH3 gene, results from a T to A substitution at nucleotide position 3413. The leucine at codon 1138 is replaced by histidine, an amino acid with similar properties. This amino acid position is conserved. In addition, this alteration is predicted to be deleterious by in silico analysis. Based on the available evidence, the clinical significance of this variant remains unclear.

NM_001040108.2(MLH3):c.3413T>A (p.Leu1138His)

Gene: MLH3 (mutL homolog 3; minus strand). Cytogenetic location: 14q24.3.
Variant type: single nucleotide variant.
Coding change: c.3413T>A on transcript NM_001040108.2 (MANE Select); coding-DNA position 3413, T replaced by A.
Protein change: p.Leu1138His; replaces leucine 1138 with histidine.
Molecular consequence: missense variant.
Genome position (GRCh38, 1-based): chr14:75,041,667, A>T on the plus strand (T>A on the coding strand, the complement: MLH3 is on the minus strand). VCF-style: chr14-75041667-A-T. GRCh37 (hg19) VCF-style: chr14-75508370-A-T.
Other names: c.3413T>A, p.Leu1138His (NM_014381.3); short protein forms L1138H.
Identifiers: ClinVar variation 4108617 (VCV004108617.1).
Genomic context (GRCh38, chr14:75,041,667, plus strand): 5'-AGACCCACCTCTGGATAACGGGCAAATACTGGATTGTCCCATTCTGAGAACAAAGACTGA[A>T]GCGATTCGCTACTAACAGTATCATCCACAGTATCTAGGGCAAAAGGGAACAGGTAAAGTT-3'
Protein context (NP_001035197.1, residues 1128-1148): TVDDTVSSES[Leu1138His]QSLFSEWDNP